The following is an entry in ClinVar:

ClinVar aggregate classification (germline): Pathogenic (1 of 4 stars; one submission).

Conditions:
Hereditary nonpolyposis colorectal neoplasms. Identifiers: MedGen C0009405, MeSH D003123.

Submission:

Labcorp Genetics (formerly Invitae), Labcorp
Classification: Pathogenic for Hereditary nonpolyposis colorectal neoplasms. Last evaluated: 2024-11-11. Review status: criteria provided, single submitter. Criteria: Invitae Variant Classification Sherloc (09022015). Collection method: clinical testing. Allele origin: germline.
Comment: This sequence change creates a premature translational stop signal (p.Asn947Metfs*9) in the MSH6 gene. It is expected to result in an absent or disrupted protein product. Loss-of-function variants in MSH6 are known to be pathogenic (PMID: 18269114, 24362816). This variant is not present in population databases (gnomAD no frequency). This variant has not been reported in the literature in individuals affected with MSH6-related conditions. For these reasons, this variant has been classified as Pathogenic.

Literature cited by the submitters: PubMed 18269114; PubMed 24362816.

NM_000179.3(MSH6):c.2840del (p.Asn947fs)

Gene: MSH6 (mutS homolog 6; plus strand). Cytogenetic location: 2p16.3.
Variant type: Deletion.
Coding change: c.2840del on transcript NM_000179.3 (MANE Select); coding-DNA position 2840, one base deleted (A; older notation c.2840delA).
Protein change: p.Asn947fs; shifts the reading frame from asparagine 947.
Molecular consequence: frameshift variant. On other transcripts: non-coding transcript variant (5), intron variant (2).
Genome position (GRCh38, 1-based): chr2:47,800,823, A deleted; the last of 4 consecutive A bases (chr2:47,800,820-47,800,823); deleting any one gives the same sequence. VCF-style (leftmost placement, unchanged base first): chr2-47800819-GA-G. GRCh37 (hg19) VCF-style: chr2-48027958-GA-G.
Other names: c.2450del, p.Asn817fs (NM_001281492.2); c.1934del, p.Asn645fs (NM_001281493.2, NM_001281494.2, NM_001406811.1 and 6 more transcripts); c.2936del, p.Asn979fs (NM_001406795.1, NM_001406802.1); c.2840del, p.Asn947fs (NM_001406796.1, NM_001406798.1, NM_001406800.1 and 2 more transcripts); c.2543del, p.Asn848fs (NM_001406797.1, NM_001406801.1, NM_001406805.1 and 10 more transcripts); c.2315del, p.Asn772fs (NM_001406799.1, NM_001406806.1, NM_001406807.1); c.2762del, p.Asn921fs (NM_001406804.1); c.2846del, p.Asn949fs (NM_001406813.1); and 4 more; short protein forms N817fs, N848fs, N262fs, N891fs, N645fs, N772fs, N921fs, N947fs.
Identifiers: ClinVar variation 3724980 (VCV003724980.2).